The following is an entry in ClinVar:

ClinVar aggregate classification (germline): Uncertain significance. Review status: criteria provided, multiple submitters, no conflicts (2 of 4 stars). 3 submissions from 3 submitters: Uncertain significance (3). Last evaluated 2024-10-21.

Conditions:
Inborn genetic diseases. Identifiers: MedGen C0950123, MeSH D030342.

Allele frequency attached by ClinVar (database versions not stated): gnomAD exomes 0.00001; gnomAD 0.00002; TOPMed 0.00002.
gnomAD v4.1: 17 of 1,544,830 alleles (0.0011%); highest among the groups gnomAD compares: Middle Eastern, 0.033%; no homozygotes.

Submissions (3):

Labcorp Genetics (formerly Invitae), Labcorp
Classification: Uncertain significance. Last evaluated: 2024-10-21. Review status: criteria provided, single submitter. Criteria: Invitae Variant Classification Sherloc (09022015). Collection method: clinical testing. Allele origin: germline.
Comment: This sequence change replaces tyrosine, which is neutral and polar, with cysteine, which is neutral and slightly polar, at codon 2280 of the EYS protein (p.Tyr2280Cys). This variant is not present in population databases (gnomAD no frequency). This variant has not been reported in the literature in individuals affected with EYS-related conditions. ClinVar contains an entry for this variant (Variation ID: 2048552). Invitae Evidence Modeling of protein sequence and biophysical properties (such as structural, functional, and spatial information, amino acid conservation, physicochemical variation, residue mobility, and thermodynamic stability) has been performed for this missense variant. However, the output from this modeling did not meet the statistical confidence thresholds required to predict the impact of this variant on EYS protein function. In summary, the available evidence is currently insufficient to determine the role of this variant in disease. Therefore, it has been classified as a Variant of Uncertain Significance.

Ambry Genetics
Classification: Uncertain significance for Inborn genetic diseases. Last evaluated: 2022-12-21. Review status: criteria provided, single submitter. Criteria: Ambry Variant Classification Scheme 2023. Collection method: clinical testing. Allele origin: germline.

Blueprint Genetics
Classification: Uncertain significance. Last evaluated: 2021-11-19. Review status: criteria provided, single submitter. Criteria: ACMG Guidelines, 2015. Collection method: clinical testing. Allele origin: germline.

NM_001142800.2(EYS):c.6839A>G (p.Tyr2280Cys)

Gene: EYS (EGF-like photoreceptor maintenance factor; minus strand). Cytogenetic location: 6q12.
Variant type: single nucleotide variant.
Coding change: c.6839A>G on transcript NM_001142800.2 (MANE Select); coding-DNA position 6839, A replaced by G.
Protein change: p.Tyr2280Cys; replaces tyrosine 2280 with cysteine.
Molecular consequence: missense variant.
Genome position (GRCh38, 1-based): chr6:63,984,599, T>C on the plus strand (A>G on the coding strand, the complement: EYS is on the minus strand). VCF-style: chr6-63984599-T-C. GRCh37 (hg19) VCF-style: chr6-64694492-T-C.
Other names: c.6839A>G, p.Tyr2280Cys (NM_001292009.2); short protein forms Y2280C.
Identifiers: ClinVar variation 2048552 (VCV002048552.5), dbSNP rs1035817053, ClinGen allele CA140266927.